The following is an entry in ClinVar:

NM_014159.7(SETD2):c.273A>G (p.Ala91=)

Gene: SETD2 (SET domain containing 2, histone lysine methyltransferase; minus strand). Cytogenetic location: 3p21.31.
Variant type: single nucleotide variant.
Coding change: c.273A>G on transcript NM_014159.7 (MANE Select); coding-DNA position 273, A replaced by G.
Protein change: p.Ala91=; no amino-acid change (alanine 91 retained).
Molecular consequence: synonymous variant. On other transcripts: non-coding transcript variant (1).
Genome position (GRCh38, 1-based): chr3:47,124,363, T>C on the plus strand (A>G on the coding strand, the complement: SETD2 is on the minus strand). VCF-style: chr3-47124363-T-C. GRCh37 (hg19) VCF-style: chr3-47165853-T-C.
Other names: c.141A>G, p.Ala47= (NM_001349370.3).
Identifiers: ClinVar variation 3388499 (VCV003388499.16).
Genomic context (GRCh38, chr3:47,124,363, plus strand): 5'-GTCTACCTGAAGAGGTACAGCTGGAGGGTTTGGAGTATCACTTTGCTTTTCATTGCCAAG[T>C]GCAGTGAGAAACCTATTCTGCAAAGTTTTCTTTGTAAGGCTGAAGCTGAATGACACCTTC-3'
Protein context (NP_054878.5, residues 81-101): KKTLQNRFLT[Ala91=]LGNEKQSDTP

ClinVar aggregate classification (germline): Likely benign. Review status: criteria provided, multiple submitters, no conflicts (2 of 4 stars). 2 submissions from 2 submitters: Likely benign (2). Last evaluated 2024-11-01.

Conditions:
Luscan-Lumish syndrome. Identifiers: Orphanet 597738, MedGen C4085873, MONDO:0014791, OMIM 616831.

gnomAD v4.1: 18 of 1,551,894 alleles (0.0012%); highest among the groups gnomAD compares: Non-Finnish European, 0.0014%; no homozygotes.

Submissions (2):

CeGaT Center for Human Genetics Tuebingen
Classification: Likely benign. Last evaluated: 2024-11-01. Review status: criteria provided, single submitter. Criteria: CeGaT Center For Human Genetics Tuebingen Variant Classification Criteria Version 2. Collection method: clinical testing. Allele origin: germline. Affected: yes. Observed: 1 variant allele.
Comment: SETD2: BP4, BP7

Labcorp Genetics (formerly Invitae), Labcorp
Classification: Likely benign for Luscan-Lumish syndrome. Last evaluated: 2024-05-09. Review status: criteria provided, single submitter. Criteria: Invitae Variant Classification Sherloc (09022015). Collection method: clinical testing. Allele origin: germline.